The following is an entry in ClinVar:

ClinVar aggregate classification (germline): Likely benign (0 of 4 stars; one submission).

Conditions:
SETD1A-related disorder. Also called: SETD1A-related condition.

Allele frequency attached by ClinVar (database versions not stated): gnomAD exomes 0.00003; ExAC 0.00006; ESP Exome Variant Server 0.00015; 1000 Genomes Project 0.00080; 1000 Genomes Project 30x 0.00094.

Submission:

PreventionGenetics, part of Exact Sciences
Classification: Likely benign for SETD1A-related condition. Last evaluated: 2019-06-07. Review status: no assertion criteria provided. Collection method: clinical testing. Allele origin: germline.
Comment: This variant is classified as likely benign based on ACMG/AMP sequence variant interpretation guidelines (Richards et al. 2015 PMID: 25741868, with internal and published modifications).

NM_014712.3(SETD1A):c.138C>T (p.His46=)

Gene: SETD1A (SET domain containing 1A, histone lysine methyltransferase; plus strand). Cytogenetic location: 16p11.2.
Variant type: single nucleotide variant.
Coding change: c.138C>T on transcript NM_014712.3 (MANE Select); coding-DNA position 138, C replaced by T.
Protein change: p.His46=; no amino-acid change (histidine 46 retained).
Molecular consequence: synonymous variant.
Genome position (GRCh38, 1-based): chr16:30,958,869, C>T. VCF-style: chr16-30958869-C-T. GRCh37 (hg19) VCF-style: chr16-30970190-C-T.
Identifiers: ClinVar variation 3044601 (VCV003044601.2), dbSNP rs139688166, ClinGen allele CA8016289.